The following is an entry in ClinVar:

ClinVar aggregate classification (germline): Uncertain significance (1 of 4 stars; one submission).

Conditions:
Charcot-Marie-Tooth disease type 4. Also called: Charcot-Marie-Tooth disease, type IV; Charcot-Marie-Tooth, Type 4. Identifiers: Orphanet 64749, MedGen C4082197, MONDO:0018995.

Allele frequency attached by ClinVar (database versions not stated): gnomAD exomes 0.00001; TOPMed 0.00001.
gnomAD v4.1: 16 of 1,614,216 alleles (0.00099%); highest among the groups gnomAD compares: Non-Finnish European, 0.0014%; no homozygotes.

Submission:

Labcorp Genetics (formerly Invitae), Labcorp
Classification: Uncertain significance for Charcot-Marie-Tooth disease type 4. Last evaluated: 2022-02-18. Review status: criteria provided, single submitter. Criteria: Invitae Variant Classification Sherloc (09022015). Collection method: clinical testing. Allele origin: germline.
Comment: This sequence change replaces threonine, which is neutral and polar, with isoleucine, which is neutral and non-polar, at codon 963 of the SH3TC2 protein (p.Thr963Ile). This variant is not present in population databases (gnomAD no frequency). This variant has not been reported in the literature in individuals affected with SH3TC2-related conditions. Advanced modeling of protein sequence and biophysical properties (such as structural, functional, and spatial information, amino acid conservation, physicochemical variation, residue mobility, and thermodynamic stability) performed at Invitae indicates that this missense variant is not expected to disrupt SH3TC2 protein function. In summary, the available evidence is currently insufficient to determine the role of this variant in disease. Therefore, it has been classified as a Variant of Uncertain Significance.

NM_024577.4(SH3TC2):c.2888C>T (p.Thr963Ile)

Gene: SH3TC2 (SH3 domain and tetratricopeptide repeats 2; minus strand). Cytogenetic location: 5q32.
Variant type: single nucleotide variant.
Coding change: c.2888C>T on transcript NM_024577.4 (MANE Select); coding-DNA position 2888, C replaced by T.
Protein change: p.Thr963Ile; replaces threonine 963 with isoleucine.
Molecular consequence: missense variant.
Genome position (GRCh38, 1-based): chr5:149,026,737, G>A on the plus strand (C>T on the coding strand, the complement: SH3TC2 is on the minus strand). VCF-style: chr5-149026737-G-A. GRCh37 (hg19) VCF-style: chr5-148406300-G-A.
Other names: short protein forms T963I.
Identifiers: ClinVar variation 2066139 (VCV002066139.1), dbSNP rs1029890378, ClinGen allele CA128983514.